The following is an entry in ClinVar:

NM_006312.6(NCOR2):c.6251G>A (p.Arg2084Gln)

Gene: NCOR2 (nuclear receptor corepressor 2; minus strand). Cytogenetic location: 12q24.31.
Variant type: single nucleotide variant.
Coding change: c.6251G>A on transcript NM_006312.6 (MANE Select); coding-DNA position 6251, G replaced by A.
Protein change: p.Arg2084Gln; replaces arginine 2084 with glutamine.
Molecular consequence: missense variant.
Genome position (GRCh38, 1-based): chr12:124,335,497, C>T on the plus strand (G>A on the coding strand, the complement: NCOR2 is on the minus strand). VCF-style: chr12-124335497-C-T. GRCh37 (hg19) VCF-style: chr12-124820043-C-T.
Other names: c.6221G>A, p.Arg2074Gln (NM_001077261.4, NM_001206654.2); short protein forms R2074Q, R2084Q.
Identifiers: ClinVar variation 3045095 (VCV003045095.3), dbSNP rs201766557, ClinGen allele CA6867586.

ClinVar aggregate classification (germline): Uncertain significance. Review status: criteria provided, single submitter (1 of 4 stars). 2 submissions from 2 submitters: Uncertain significance (1). 1 of the submissions does not count toward it. Last evaluated 2025-08-07.

Conditions:
NCOR2-related disorder. Also called: NCOR2-related condition.

Allele frequency attached by ClinVar (database versions not stated): TOPMed 0.00166; 1000 Genomes Project 30x 0.00172; ESP Exome Variant Server 0.00222; gnomAD exomes 0.00015; ExAC 0.00054; gnomAD 0.00159; 1000 Genomes Project 0.00160.
gnomAD v4.1: 463 of 1,606,550 alleles (0.029%); highest among the groups gnomAD compares: African/African-American, 0.56%; 1 homozygote.

Submissions (2):

Ambry Genetics
Classification: Uncertain significance. Last evaluated: 2025-08-07. Review status: criteria provided, single submitter. Criteria: Ambry Variant Classification Scheme 2023. Collection method: clinical testing. Allele origin: germline.

PreventionGenetics, part of Exact Sciences
Classification: Likely benign for NCOR2-related condition. Last evaluated: 2019-12-23. Review status: no assertion criteria provided. Collection method: clinical testing. Allele origin: germline. Not counted in ClinVar's aggregate classification.
Comment: This variant is classified as likely benign based on ACMG/AMP sequence variant interpretation guidelines (Richards et al. 2015 PMID: 25741868, with internal and published modifications).